The following is an entry in ClinVar:

NM_000135.4(FANCA):c.1007-7C>G

Gene: FANCA (FA complementation group A; minus strand). Cytogenetic location: 16q24.3.
Variant type: single nucleotide variant.
Coding change: c.1007-7C>G on transcript NM_000135.4 (MANE Select); 7 bases into the intron before coding-DNA position 1007, C replaced by G.
Molecular consequence: intron variant.
Genome position (GRCh38, 1-based): chr16:89,792,554, G>C on the plus strand (C>G on the coding strand, the complement: FANCA is on the minus strand). VCF-style: chr16-89792554-G-C. GRCh37 (hg19) VCF-style: chr16-89858962-G-C.
Other names: c.1007-7C>G (LRG_495t1, NM_001286167.3, NM_000135.3).
Identifiers: ClinVar variation 321363 (VCV000321363.21), dbSNP rs111271660, ClinGen allele CA8252565.

ClinVar aggregate classification (germline): Conflicting classifications of pathogenicity. Review status: criteria provided, conflicting classifications (1 of 4 stars). 6 submissions from 6 submitters: Uncertain significance (3); Likely benign (1). 2 of the submissions do not count toward it. Last evaluated 2026-01-05.

Conditions:
Fanconi anemia complementation group A (FANCA). Also called: Fanconi anemia, group A; FANCA-Related Fanconi Anemia. Identifiers: Orphanet 84, MedGen C3469521, MONDO:0009215, OMIM 227650.
Fanconi anemia (FA). Also called: Fanconi's anemia. Identifiers: Orphanet 84, MedGen C0015625, MeSH D005199, MONDO:0019391.
FANCA-related disorder. Also called: FANCA-related condition.

Allele frequency attached by ClinVar (database versions not stated): gnomAD 0.00001 and 0.00005; TOPMed 0.00002; 1000 Genomes Project 30x 0.00016; 1000 Genomes Project 0.00020.
gnomAD v4.1: 138 of 1,612,562 alleles (0.0086%); highest among the groups gnomAD compares: South Asian, 0.13%; 1 homozygote.

Submissions (6):

Labcorp Genetics (formerly Invitae), Labcorp
Classification: Likely benign for Fanconi anemia. Last evaluated: 2026-01-05. Review status: criteria provided, single submitter. Criteria: Invitae Variant Classification Sherloc (09022015). Collection method: clinical testing. Allele origin: germline.

Quest Diagnostics Nichols Institute San Juan Capistrano
Classification: Uncertain significance. Last evaluated: 2025-07-10. Review status: criteria provided, single submitter. Criteria: Quest Diagnostics criteria. Collection method: clinical testing. Allele origin: unknown.
Comment: The FANCA c.1007-7C>G variant has not been reported in individuals with FANCA-related conditions in the published literature. The frequency of this variant in the general population (Genome Aggregation Database) is higher than would generally be expected for pathogenic variants in this gene. Analysis of this variant using software algorithms for the prediction of the effect of nucleotide changes on splicing yielded predictions that this variant may affect proper FANCA mRNA splicing. Based on the available information, we are unable to determine the clinical significance of this variant.

Fulgent Genetics
Classification: Uncertain significance for Fanconi anemia complementation group A. Last evaluated: 2024-01-25. Review status: criteria provided, single submitter. Criteria: ACMG Guidelines, 2015. Collection method: clinical testing. Allele origin: germline.

Illumina Laboratory Services, Illumina
Classification: Uncertain significance for Fanconi anemia complementation group A. Last evaluated: 2018-01-12. Review status: criteria provided, single submitter. Criteria: ICSL Variant Classification Criteria 13 December 2019. Collection method: clinical testing. Allele origin: germline.

PreventionGenetics, part of Exact Sciences
Classification: Likely benign for FANCA-related condition. Last evaluated: 2022-04-11. Review status: no assertion criteria provided. Collection method: clinical testing. Allele origin: germline. Not counted in ClinVar's aggregate classification.
Comment: This variant is classified as likely benign based on ACMG/AMP sequence variant interpretation guidelines (Richards et al. 2015 PMID: 25741868, with internal and published modifications).

Natera, Inc.
Classification: Uncertain significance for Fanconi anemia, group A. Last evaluated: 2019-10-28. Review status: no assertion criteria provided. Collection method: clinical testing. Allele origin: germline. Not counted in ClinVar's aggregate classification.